The following is an entry in ClinVar:

ClinVar aggregate classification (germline): Uncertain significance (1 of 4 stars; one submission).

Conditions:
NOTCH2-related disorder. Also called: NOTCH2-related condition.

gnomAD v4.1: 2 of 1,613,832 alleles (0.00012%); highest among the groups gnomAD compares: African/African-American, 0.0027%; no homozygotes.

Submission:

PreventionGenetics, part of Exact Sciences
Classification: Uncertain significance for NOTCH2-related condition. Last evaluated: 2026-05-10. Review status: criteria provided, single submitter. Criteria: ACMG Guidelines, 2015. Collection method: clinical testing. Allele origin: germline.
Comment: The NOTCH2 c.3373G>A variant is predicted to result in the amino acid substitution p.Val1125Ile. To our knowledge, this variant has not been reported in the literature or in a large population database (gnomAD), indicating this variant is rare. At this time, the clinical significance of this variant is uncertain due to the absence of conclusive functional and genetic evidence.

NM_024408.4(NOTCH2):c.3373G>A (p.Val1125Ile)

Gene: NOTCH2 (notch receptor 2; minus strand). Cytogenetic location: 1p12.
Variant type: single nucleotide variant.
Coding change: c.3373G>A on transcript NM_024408.4 (MANE Select); coding-DNA position 3373, G replaced by A.
Protein change: p.Val1125Ile; replaces valine 1125 with isoleucine.
Molecular consequence: missense variant.
Genome position (GRCh38, 1-based): chr1:119,937,431, C>T on the plus strand (G>A on the coding strand, the complement: NOTCH2 is on the minus strand). VCF-style: chr1-119937431-C-T. GRCh37 (hg19) VCF-style: chr1-120480054-C-T.
Other names: c.3373G>A, p.Val1125Ile (NM_001200001.2); short protein forms V1125I.
Identifiers: ClinVar variation 4984020 (VCV004984020.1).